The following is an entry in ClinVar:

ClinVar aggregate classification (germline): Likely pathogenic (1 of 4 stars; one submission).

Conditions:
Van der Woude syndrome. Identifiers: Orphanet 888, MedGen C0175697, MONDO:0019508.
Orofacial cleft 6, susceptibility to (OFC6). Also called: CLEFT LIP WITH OR WITHOUT CLEFT PALATE, NONSYNDROMIC, 6. Identifiers: MedGen C1837213, MONDO:0012141, OMIM 608864.
Popliteal pterygium syndrome (PPS). Identifiers: Orphanet 294963, MedGen C0265259, MONDO:0017435.

Submission:

Labcorp Genetics (formerly Invitae), Labcorp
Classification: Likely pathogenic for Orofacial cleft 6, susceptibility to; Van der Woude syndrome; Popliteal pterygium syndrome. Last evaluated: 2020-04-24. Review status: criteria provided, single submitter. Criteria: Invitae Variant Classification Sherloc (09022015). Collection method: clinical testing. Allele origin: germline.
Comment: This variant has been observed in individual(s) with clinical features of Van der Woude syndrome (Invitae). It has also been observed to segregate with disease in related individuals. In summary, the currently available evidence indicates that the variant is pathogenic, but additional data are needed to prove that conclusively. Therefore, this variant has been classified as Likely Pathogenic. This variant disrupts the p.Cys374 amino acid residue in IRF6. Other variant(s) that disrupt this residue have been observed in individuals with IRF6-related conditions (PMID: 19282774, 20184620), which suggests that this may be a clinically significant amino acid residue. Algorithms developed to predict the effect of missense changes on protein structure and function (SIFT, PolyPhen-2, Align-GVGD) all suggest that this variant is likely to be disruptive, but these predictions have not been confirmed by published functional studies and their clinical significance is uncertain. This variant is not present in population databases (ExAC no frequency). This sequence change replaces cysteine with tyrosine at codon 374 of the IRF6 protein (p.Cys374Tyr). The cysteine residue is highly conserved and there is a large physicochemical difference between cysteine and tyrosine.

Literature cited by the submitters: PubMed 19282774; PubMed 20184620.

NM_006147.4(IRF6):c.1121G>A (p.Cys374Tyr)

Gene: IRF6 (interferon regulatory factor 6; minus strand). Cytogenetic location: 1q32.2.
Variant type: single nucleotide variant.
Coding change: c.1121G>A on transcript NM_006147.4 (MANE Select); coding-DNA position 1121, G replaced by A.
Protein change: p.Cys374Tyr; replaces cysteine 374 with tyrosine.
Molecular consequence: missense variant.
Genome position (GRCh38, 1-based): chr1:209,789,725, C>T on the plus strand (G>A on the coding strand, the complement: IRF6 is on the minus strand). VCF-style: chr1-209789725-C-T. GRCh37 (hg19) VCF-style: chr1-209963070-C-T.
Other names: c.836G>A, p.Cys279Tyr (NM_001206696.2); short protein forms C374Y, C279Y.
Identifiers: ClinVar variation 849913 (VCV000849913.49), dbSNP rs2077857680, ClinGen allele CA344574677.
Genomic context (GRCh38, chr1:209,789,725, plus strand): 5'-ACCTGAACCAAGATGAGTTTCCTTTCCAATGGTTTCCCATCTGGCCATTCTTCCCCAAAG[C>T]ATAAGTAGATCTCAAACGGTGGCTGCTTCTCTATCTGTCCTTTCTGGTGGGCAATGAGAT-3'
Protein context (NP_006138.1, residues 364-384): EKQPPFEIYL[Cys374Tyr]FGEEWPDGKP